The following is an entry in ClinVar:

ClinVar aggregate classification (germline): Likely benign. Review status: criteria provided, single submitter (1 of 4 stars). 2 submissions from 2 submitters: Likely benign (1). 1 of the submissions does not count toward it. Last evaluated 2024-10-04.

Conditions:
FCN1-related disorder. Also called: FCN1-related condition.

Allele frequency attached by ClinVar (database versions not stated): ESP Exome Variant Server 0.00077.

Submissions (2):

Blueprint Genetics
Classification: Likely benign. Last evaluated: 2024-10-04. Review status: criteria provided, single submitter. Criteria: ACMG Guidelines, 2015. Collection method: clinical testing. Allele origin: germline.

PreventionGenetics, part of Exact Sciences
Classification: Likely benign for FCN1-related condition. Last evaluated: 2024-02-06. Review status: no assertion criteria provided. Collection method: clinical testing. Allele origin: germline. Not counted in ClinVar's aggregate classification.
Comment: This variant is classified as likely benign based on ACMG/AMP sequence variant interpretation guidelines (Richards et al. 2015 PMID: 25741868, with internal and published modifications).

NM_002003.5(FCN1):c.478C>A (p.Arg160=)

Gene: FCN1 (ficolin 1; minus strand). Cytogenetic location: 9q34.3.
Variant type: single nucleotide variant.
Coding change: c.478C>A on transcript NM_002003.5 (MANE Select); coding-DNA position 478, C replaced by A.
Protein change: p.Arg160=; no amino-acid change (arginine 160 retained).
Molecular consequence: synonymous variant.
Genome position (GRCh38, 1-based): chr9:134,912,606, G>T on the plus strand (C>A on the coding strand, the complement: FCN1 is on the minus strand). VCF-style: chr9-134912606-G-T. GRCh37 (hg19) VCF-style: chr9-137804452-G-T.
Identifiers: ClinVar variation 3054724 (VCV003054724.3), dbSNP rs143226419, ClinGen allele CA5321655.